The following is an entry in ClinVar:

NM_000395.3(CSF2RB):c.218T>A (p.Val73Glu)

Genes: CSF2RB (colony stimulating factor 2 receptor subunit beta; plus strand), LOC126863140 (BRD4-independent group 4 enhancer GRCh37_chr22:37321546-37322745; plus strand). Cytogenetic location: 22q12.3.
Variant type: single nucleotide variant.
Coding change: c.218T>A on transcript NM_000395.3 (MANE Select); coding-DNA position 218, T replaced by A.
Protein change: p.Val73Glu; replaces valine 73 with glutamic acid.
Molecular consequence: missense variant.
Genome position (GRCh38, 1-based): chr22:36,926,004, T>A. VCF-style: chr22-36926004-T-A. GRCh37 (hg19) VCF-style: chr22-37322046-T-A.
Other names: c.218T>A, p.Val73Glu (NM_001410827.1); short protein forms V73E.
Identifiers: ClinVar variation 2827081 (VCV002827081.3), dbSNP rs1389817358, ClinGen allele CA411402685.
Genomic context (GRCh38, chr22:36,926,004, plus strand): 5'-GATACCCATACACCCTGGGCTAAGCCGTGTCCTCTCCCAACAGGGACCTCCTGGAGCCAG[T>A]GTCCTGTGACCTCAGTGATGACATGCCCTGGTCAGCCTGCCCCCATCCCCGCTGCGTGCC-3'
Protein context (NP_000386.1, residues 63-83): RRVNEDLLEP[Val73Glu]SCDLSDDMPW

ClinVar aggregate classification (germline): Uncertain significance (1 of 4 stars; one submission).

Submission:

Labcorp Genetics (formerly Invitae), Labcorp
Classification: Uncertain significance. Last evaluated: 2023-01-08. Review status: criteria provided, single submitter. Criteria: Invitae Variant Classification Sherloc (09022015). Collection method: clinical testing. Allele origin: germline.
Comment: In summary, the available evidence is currently insufficient to determine the role of this variant in disease. Therefore, it has been classified as a Variant of Uncertain Significance. Advanced modeling of protein sequence and biophysical properties (such as structural, functional, and spatial information, amino acid conservation, physicochemical variation, residue mobility, and thermodynamic stability) performed at Invitae indicates that this missense variant is expected to disrupt CSF2RB protein function. This variant has not been reported in the literature in individuals affected with CSF2RB-related conditions. This variant is not present in population databases (gnomAD no frequency). This sequence change replaces valine, which is neutral and non-polar, with glutamic acid, which is acidic and polar, at codon 73 of the CSF2RB protein (p.Val73Glu).